The following is an entry in ClinVar:

ClinVar aggregate classification (germline): Uncertain significance. Review status: criteria provided, multiple submitters, no conflicts (2 of 4 stars). 2 submissions from 2 submitters: Uncertain significance (2). Last evaluated 2025-05-07.

Conditions:
Inborn genetic diseases. Identifiers: MedGen C0950123, MeSH D030342.

Allele frequency attached by ClinVar (database versions not stated): gnomAD 0.00002; gnomAD exomes 0.00002; TOPMed 0.00002.
gnomAD v4.1: 26 of 1,612,836 alleles (0.0016%); highest among the groups gnomAD compares: Non-Finnish European, 0.002%; no homozygotes.

Submissions (2):

Ambry Genetics
Classification: Uncertain significance for Inborn genetic diseases. Last evaluated: 2025-05-07. Review status: criteria provided, single submitter. Criteria: Ambry Variant Classification Scheme 2023. Collection method: clinical testing. Allele origin: germline.

Labcorp Genetics (formerly Invitae), Labcorp
Classification: Uncertain significance. Last evaluated: 2024-01-02. Review status: criteria provided, single submitter. Criteria: Invitae Variant Classification Sherloc (09022015). Collection method: clinical testing. Allele origin: germline.
Comment: This sequence change replaces lysine, which is basic and polar, with arginine, which is basic and polar, at codon 222 of the SLC4A11 protein (p.Lys222Arg). This variant is not present in population databases (gnomAD no frequency). This variant has not been reported in the literature in individuals affected with SLC4A11-related conditions. ClinVar contains an entry for this variant (Variation ID: 1476535). Advanced modeling of protein sequence and biophysical properties (such as structural, functional, and spatial information, amino acid conservation, physicochemical variation, residue mobility, and thermodynamic stability) has been performed at Invitae for this missense variant, however the output from this modeling did not meet the statistical confidence thresholds required to predict the impact of this variant on SLC4A11 protein function. In summary, the available evidence is currently insufficient to determine the role of this variant in disease. Therefore, it has been classified as a Variant of Uncertain Significance.

NM_001174089.2(SLC4A11):c.617A>G (p.Lys206Arg)

Gene: SLC4A11 (solute carrier family 4 member 11; minus strand). Cytogenetic location: 20p13.
Variant type: single nucleotide variant.
Coding change: c.617A>G on transcript NM_001174089.2 (MANE Select); coding-DNA position 617, A replaced by G.
Protein change: p.Lys206Arg; replaces lysine 206 with arginine.
Molecular consequence: missense variant. On other transcripts: non-coding transcript variant (1).
Genome position (GRCh38, 1-based): chr20:3,233,626, T>C on the plus strand (A>G on the coding strand, the complement: SLC4A11 is on the minus strand). VCF-style: chr20-3233626-T-C. GRCh37 (hg19) VCF-style: chr20-3214272-T-C.
Other names: c.746A>G, p.Lys249Arg (NM_001174090.2); c.617A>G, p.Lys206Arg (NM_001363745.2); c.665A>G, p.Lys222Arg (NM_032034.4); c.665A>G (NM_032034.3); short protein forms K206R, K222R, K249R.
Identifiers: ClinVar variation 1476535 (VCV001476535.8), dbSNP rs1446025623, ClinGen allele CA408092887.